The following is an entry in ClinVar:

ClinVar aggregate classification (germline): Uncertain significance. Review status: criteria provided, multiple submitters, no conflicts (2 of 4 stars). 4 submissions from 4 submitters: Uncertain significance (4). Last evaluated 2025-07-11.

Conditions:
Inborn genetic diseases. Identifiers: MedGen C0950123, MeSH D030342.
Wilms tumor 1 (WT1). Also called: Wilms tumor, somatic. Identifiers: Orphanet 654, MedGen CN033288, MONDO:0008679, OMIM 194070.
11p partial monosomy syndrome (WAGR). Also called: WAGR Spectrum Disorder; WAGR Complex; WAGR syndrome; CHROMOSOME 11p13 DELETION SYNDROME. Identifiers: Orphanet 893, MedGen C0206115, MONDO:0008681, OMIM 194072.
Drash syndrome (DDS). Also called: NEPHROPATHY, WILMS TUMOR, AND GENITAL ANOMALIES; WILMS TUMOR AND PSEUDO- OR TRUE HERMAPHRODITISM. Identifiers: Orphanet 220, MedGen C0950121, MONDO:0008682, OMIM 194080.
Frasier syndrome. Identifiers: Orphanet 347, MedGen C0950122, MeSH D052159, MONDO:0007635, OMIM 136680.

Submissions (4):

Ambry Genetics
Classification: Uncertain significance for Inborn genetic diseases. Last evaluated: 2025-07-11. Review status: criteria provided, single submitter. Criteria: Ambry Variant Classification Scheme 2023. Collection method: clinical testing. Allele origin: germline.
Comment: The c.1098+5G>C intronic variant results from a G to C substitution 5 nucleotides after coding exon 6 in the WT1 gene. This nucleotide position is highly conserved in available vertebrate species. In silico splice site analysis for this alteration is inconclusive. Based on the available evidence, the clinical significance of this variant remains unclear.

All of Us Research Program, National Institutes of Health
Classification: Uncertain significance for Wilms tumor 1. Last evaluated: 2024-07-20. Review status: criteria provided, single submitter. Criteria: ACMG Guidelines, 2015. Collection method: clinical testing. Allele origin: germline. Inheritance: Autosomal dominant inheritance. Observed: 1 variant allele, 1 heterozygote.
Comment: This variant causes a G to C nucleotide substitution at the conserved +5 position of intron 6 of the WT1 gene. To our knowledge, functional studies have not been reported for this variant. This variant has not been reported in individuals affected with WT1-related disorders in the literature. This variant has not been identified in the general population by the Genome Aggregation Database (gnomAD). The available evidence is insufficient to determine the role of this variant in disease conclusively. Therefore, this variant is classified as a Variant of Uncertain Significance.

This study involves interpretation of variants in research participants for the purpose of population health screening. Participant phenotype was not available at the time of variant classification. Additional details can be found in publication PMID: 35346344, PMCID: PMC8962531

Labcorp Genetics (formerly Invitae), Labcorp
Classification: Uncertain significance for Wilms tumor 1; Drash syndrome; 11p partial monosomy syndrome; Frasier syndrome. Last evaluated: 2023-10-22. Review status: criteria provided, single submitter. Criteria: Invitae Variant Classification Sherloc (09022015). Collection method: clinical testing. Allele origin: germline.
Comment: This sequence change falls in intron 6 of the WT1 gene. It does not directly change the encoded amino acid sequence of the WT1 protein. It affects a nucleotide within the consensus splice site. This variant is not present in population databases (gnomAD no frequency). This variant has not been reported in the literature in individuals affected with WT1-related conditions. ClinVar contains an entry for this variant (Variation ID: 1041007). Variants that disrupt the consensus splice site are a relatively common cause of aberrant splicing (PMID: 17576681, 9536098). Algorithms developed to predict the effect of sequence changes on RNA splicing suggest that this variant is not likely to affect RNA splicing. In summary, the available evidence is currently insufficient to determine the role of this variant in disease. Therefore, it has been classified as a Variant of Uncertain Significance.

GeneDx
Classification: Uncertain significance. Last evaluated: 2022-10-28. Review status: criteria provided, single submitter. Criteria: GeneDx Variant Classification Process June 2021. Collection method: clinical testing. Allele origin: germline. Affected: yes.
Comment: Not observed at significant frequency in large population cohorts (gnomAD); In silico analysis supports that this variant does not alter splicing; Has not been previously published as pathogenic or benign to our knowledge

Literature cited by the submitters: PubMed 17576681 (cited by Labcorp Genetics (formerly Invitae), Labcorp); PubMed 9536098 (cited by Labcorp Genetics (formerly Invitae), Labcorp).

NM_024426.6(WT1):c.1113+5G>C

Gene: WT1 (WT1 transcription factor; minus strand). Cytogenetic location: 11p13.
Variant type: single nucleotide variant.
Coding change: c.1113+5G>C on transcript NM_024426.6 (MANE Select); 5 bases into the intron after coding-DNA position 1113, G replaced by C.
Molecular consequence: intron variant.
Genome position (GRCh38, 1-based): chr11:32,399,943, C>G on the plus strand (G>C on the coding strand, the complement: WT1 is on the minus strand). VCF-style: chr11-32399943-C-G. GRCh37 (hg19) VCF-style: chr11-32421489-C-G.
Other names: c.1098+5G>C (NM_024426.4); c.939+5G>C (NM_001407050.1); c.990+5G>C (NM_001407047.1); c.1062+5G>C (NM_001407048.1, NM_001407049.1, NM_000378.6 and 1 more transcripts); c.1107+5G>C (NM_001407044.1); c.1113+5G>C (NM_001407046.1, NM_024424.5); c.351+5G>C (NM_001407051.1); c.411+5G>C (NM_001198552.2); and 2 more.
Identifiers: ClinVar variation 1041007 (VCV001041007.11), dbSNP rs930795675, ClinGen allele CA1962340404.
Genomic context (GRCh38, chr11:32,399,943, plus strand): 5'-AAGGGCCGGTAAGTAGGAAGAGGCAGTGCGGCCCCCTTCCCGCTGGGGCCTGTCTGTGTG[C>G]TCACCTGAATGCCTCTGAAGACACCGTGCGTGTGTATTCTGTATTGGGCTCCGCAGAGGA-3'